The following is an entry in ClinVar:

ClinVar aggregate classification (germline): Uncertain significance (1 of 4 stars; one submission).

Conditions:
EGFR-related lung cancer (EGFR). Identifiers: MedGen CN130014.

Submission:

Labcorp Genetics (formerly Invitae), Labcorp
Classification: Uncertain significance for EGFR-related lung cancer. Last evaluated: 2021-03-16. Review status: criteria provided, single submitter. Criteria: Invitae Variant Classification Sherloc (09022015). Collection method: clinical testing. Allele origin: germline.
Comment: In summary, the available evidence is currently insufficient to determine the role of this variant in disease. Therefore, it has been classified as a Variant of Uncertain Significance. Algorithms developed to predict the effect of missense changes on protein structure and function are either unavailable or do not agree on the potential impact of this missense change (SIFT: "Tolerated"; PolyPhen-2: "Possibly Damaging"; Align-GVGD: "Class C0"). This variant has not been reported in the literature in individuals with EGFR-related conditions. This variant is not present in population databases (ExAC no frequency). This sequence change replaces isoleucine with phenylalanine at codon 673 of the EGFR protein (p.Ile673Phe). The isoleucine residue is highly conserved and there is a small physicochemical difference between isoleucine and phenylalanine.

NM_005228.5(EGFR):c.2017A>T (p.Ile673Phe)

Gene: EGFR (epidermal growth factor receptor; plus strand). Cytogenetic location: 7p11.2.
Variant type: single nucleotide variant.
Coding change: c.2017A>T on transcript NM_005228.5 (MANE Select); coding-DNA position 2017, A replaced by T.
Protein change: p.Ile673Phe; replaces isoleucine 673 with phenylalanine.
Molecular consequence: missense variant.
Genome position (GRCh38, 1-based): chr7:55,173,080, A>T. VCF-style: chr7-55173080-A-T. GRCh37 (hg19) VCF-style: chr7-55240773-A-T.
Other names: c.1882A>T, p.Ile628Phe (NM_001346897.2, NM_001346899.2); c.2017A>T, p.Ile673Phe (NM_001346898.2); c.1858A>T, p.Ile620Phe (NM_001346900.2); c.1216A>T, p.Ile406Phe (NM_001346941.2); short protein forms I406F, I628F, I620F, I673F.
Identifiers: ClinVar variation 1395785 (VCV001395785.8), dbSNP rs1199980775, ClinGen allele CA367583155.